The following is an entry in ClinVar:

NM_003742.4(ABCB11):c.909-15A>G

Gene: ABCB11 (ATP binding cassette subfamily B member 11; minus strand). Cytogenetic location: 2q31.1.
Variant type: single nucleotide variant.
Coding change: c.909-15A>G on transcript NM_003742.4 (MANE Select); 15 bases into the intron before coding-DNA position 909, A replaced by G.
Molecular consequence: intron variant.
Genome position (GRCh38, 1-based): chr2:168,986,299, T>C on the plus strand (A>G on the coding strand, the complement: ABCB11 is on the minus strand). VCF-style: chr2-168986299-T-C. GRCh37 (hg19) VCF-style: chr2-169842809-T-C.
Other names: p.?; c.909-15A>G (LRG_1199t1).
Identifiers: ClinVar variation 259158 (VCV000259158.25), dbSNP rs2287618, ClinGen allele CA1951754.
Genomic context (GRCh38, chr2:168,986,299, plus strand): 5'-TTTTCTAATTCCCCAACGCTGGGCGAACACAAGATTTTTCTCATACCTGTGAAGACAAAA[T>C]GCTTGAGTCAATTTCGGCAGAAACAGCTCAAGTTATAATGTTTAAAACAGGCCGTGATGC-3'

ClinVar aggregate classification (germline): Benign. Review status: criteria provided, multiple submitters, no conflicts (2 of 4 stars). 13 submissions from 12 submitters: Benign (11). 2 of the submissions do not count toward it. Last evaluated 2026-04-14.

Conditions:
Progressive familial intrahepatic cholestasis type 2. Identifiers: Orphanet 79304, MedGen C3489789, MONDO:0011156, OMIM 601847.
Familial intrahepatic cholestasis. Identifiers: Orphanet 284385, MedGen CN296401, MONDO:0017290.
Benign recurrent intrahepatic cholestasis type 2 (BRIC2). Also called: Recurrent familial intrahepatic cholestasis 2. Identifiers: Orphanet 65682, Orphanet 99961, MedGen C2608083, MONDO:0011559, OMIM 605479.

Allele frequency attached by ClinVar (database versions not stated): gnomAD exomes 0.69477 and 0.69786; ExAC 0.70531; TOPMed 0.72049; gnomAD 0.72659 and 0.72774; ESP Exome Variant Server 0.73957; 1000 Genomes Project 30x 0.76749; 1000 Genomes Project 0.77416.
gnomAD v4.1: 1,126,859 of 1,607,150 alleles (70%); highest among the groups gnomAD compares: African/African-American, 83%; 397,947 homozygotes.

Submissions (13):

Genomenon, Inc
Classification: Benign for Familial intrahepatic cholestasis. Last evaluated: 2026-04-14. Review status: criteria provided, single submitter. Criteria: Genomenon Sequence Variant Interpretation Standards - Updated. Collection method: curation. Allele origin: germline. Affected: no.
Comment: ABCB11 c.909-15A>G is an intronic variant located in the acceptor splice region of intron 9. This variant is present at high allele frequency in population databases. In conclusion, we classify ABCB11 c.909-15A>G as a benign variant.

Women's Health and Genetics/Laboratory Corporation of America, LabCorp
Classification: Benign. Last evaluated: 2026-02-09. Review status: criteria provided, single submitter. Criteria: LabCorp Variant Classification Summary - May 2015. Collection method: clinical testing. Allele origin: germline.

Labcorp Genetics (formerly Invitae), Labcorp
Classification: Benign. Last evaluated: 2026-02-04. Review status: criteria provided, single submitter. Criteria: Invitae Variant Classification Sherloc (09022015). Collection method: clinical testing. Allele origin: germline.

Blueprint Genetics
Classification: Benign. Last evaluated: 2024-11-26. Review status: criteria provided, single submitter. Criteria: ACMG Guidelines, 2015. Collection method: clinical testing. Allele origin: germline.

Mayo Clinic Laboratories, Mayo Clinic
Classification: Benign. Last evaluated: 2022-05-05. Review status: criteria provided, single submitter. Criteria: ACMG Guidelines, 2015. Collection method: clinical testing. Allele origin: germline. Observed: 478 variant alleles.

Genome-Nilou Lab
Classification: Benign for Benign recurrent intrahepatic cholestasis type 2. Last evaluated: 2021-07-10. Review status: criteria provided, single submitter. Criteria: ACMG Guidelines, 2015. Collection method: clinical testing. Allele origin: germline. Affected: no.

Genome-Nilou Lab
Classification: Benign for Progressive familial intrahepatic cholestasis type 2. Last evaluated: 2021-07-10. Review status: criteria provided, single submitter. Criteria: ACMG Guidelines, 2015. Collection method: clinical testing. Allele origin: germline. Affected: no.

Illumina Laboratory Services, Illumina
Classification: Benign for Progressive familial intrahepatic cholestasis type 2. Last evaluated: 2018-01-13. Review status: criteria provided, single submitter. Criteria: ICSL Variant Classification Criteria 13 December 2019. Collection method: clinical testing. Allele origin: germline.
Comment: This variant was observed in the ICSL laboratory as part of a predisposition screen in an ostensibly healthy population. It had not been previously curated by ICSL or reported in the Human Gene Mutation Database (HGMD: prior to June 1st, 2018), and was therefore a candidate for classification through an automated scoring system. Utilizing variant allele frequency, disease prevalence and penetrance estimates, and inheritance mode, an automated score was calculated to assess if this variant is too frequent to cause the disease. Based on the score and internal cut-off values, a variant classified as benign is not then subjected to further curation. The score for this variant resulted in a classification of benign for this disease.

GeneDx
Classification: Benign. Last evaluated: 2015-12-02. Review status: criteria provided, single submitter. Criteria: GeneDx Variant Classification (06012015). Collection method: clinical testing. Allele origin: germline. Affected: yes.
Comment: This variant is considered likely benign or benign based on one or more of the following criteria: it is a conservative change, it occurs at a poorly conserved position in the protein, it is predicted to be benign by multiple in silico algorithms, and/or has population frequency not consistent with disease.

Breakthrough Genomics
Classification: Benign. Review status: criteria provided, single submitter. Criteria: ACMG Guidelines, 2015. Collection method: not provided. Allele origin: germline. Inheritance: Autosomal recessive inheritance. Affected: yes.

PreventionGenetics, part of Exact Sciences
Classification: Benign. Review status: criteria provided, single submitter. Criteria: ACMG Guidelines, 2015. Collection method: clinical testing. Allele origin: germline.

Diagnostic Laboratory, Department of Genetics, University Medical Center Groningen
Classification: Benign. Review status: no assertion criteria provided. Collection method: clinical testing. Allele origin: germline. Affected: yes. Study: VKGL Data-share Consensus. Not counted in ClinVar's aggregate classification.

Joint Genome Diagnostic Labs from Nijmegen and Maastricht, Radboudumc and MUMC+
Classification: Benign. Review status: no assertion criteria provided. Collection method: clinical testing. Allele origin: germline. Affected: yes. Study: VKGL Data-share Consensus. Not counted in ClinVar's aggregate classification.